The following is an entry in ClinVar:

ClinVar aggregate classification (germline): Benign/Likely benign. Review status: criteria provided, multiple submitters, no conflicts (2 of 4 stars). 3 submissions from 3 submitters: Benign (1); Likely benign (2). Last evaluated 2025-03-12.

Allele frequency attached by ClinVar (database versions not stated): gnomAD exomes 0.00008 and 0.00054; gnomAD 0.00032 and 0.00037; TOPMed 0.00037; ExAC 0.00046; 1000 Genomes Project 30x 0.00141; 1000 Genomes Project 0.00180.
gnomAD v4.1: 223 of 1,612,992 alleles (0.014%); highest among the groups gnomAD compares: East Asian, 0.31%; no homozygotes.

Submissions (3):

Labcorp Genetics (formerly Invitae), Labcorp
Classification: Benign. Last evaluated: 2025-03-12. Review status: criteria provided, single submitter. Criteria: Invitae Variant Classification Sherloc (09022015). Collection method: clinical testing. Allele origin: germline.

Blueprint Genetics
Classification: Likely benign. Last evaluated: 2024-11-06. Review status: criteria provided, single submitter. Criteria: ACMG Guidelines, 2015. Collection method: clinical testing. Allele origin: germline.

CeGaT Center for Human Genetics Tuebingen
Classification: Likely benign. Last evaluated: 2024-06-01. Review status: criteria provided, single submitter. Criteria: CeGaT Center For Human Genetics Tuebingen Variant Classification Criteria Version 2. Collection method: clinical testing. Allele origin: germline. Affected: yes. Observed: 1 variant allele.
Comment: CASZ1: BP4, BP7, BS1

NM_001079843.3(CASZ1):c.2190C>G (p.Ala730=)

Gene: CASZ1 (castor zinc finger 1; minus strand). Cytogenetic location: 1p36.22.
Variant type: single nucleotide variant.
Coding change: c.2190C>G on transcript NM_001079843.3 (MANE Select); coding-DNA position 2190, C replaced by G.
Protein change: p.Ala730=; no amino-acid change (alanine 730 retained).
Molecular consequence: synonymous variant.
Genome position (GRCh38, 1-based): chr1:10,653,867, G>C on the plus strand (C>G on the coding strand, the complement: CASZ1 is on the minus strand). VCF-style: chr1-10653867-G-C. GRCh37 (hg19) VCF-style: chr1-10713924-G-C.
Other names: c.2190C>G, p.Ala730= (NM_017766.5).
Identifiers: ClinVar variation 718958 (VCV000718958.27), dbSNP rs201759266, ClinGen allele CA584917.